The following is an entry in ClinVar:

ClinVar aggregate classification (germline): Uncertain significance. Review status: criteria provided, multiple submitters, no conflicts (2 of 4 stars). 4 submissions from 4 submitters: Uncertain significance (4). Last evaluated 2025-03-27.

Conditions:
Inborn genetic diseases. Identifiers: MedGen C0950123, MeSH D030342.
Seizures, benign familial infantile, 3 (BFIS3). Also called: CONVULSIONS, BENIGN FAMILIAL INFANTILE, 3; Familial neonatal seizures. Identifiers: Orphanet 140927, Orphanet 306, MedGen C1843140, MONDO:0011904, OMIM 607745.
Developmental and epileptic encephalopathy, 11 (DEE11). Also called: Early infantile epileptic encephalopathy 11. Identifiers: Orphanet 1934, MedGen C3150987, MONDO:0013388, OMIM 613721.

Allele frequency attached by ClinVar (database versions not stated): gnomAD exomes below 0.00001.
gnomAD v4.1: 6 of 1,614,148 alleles (0.00037%); highest among the groups gnomAD compares: Admixed American, 0.0017%; no homozygotes.

Submissions (4):

Ambry Genetics
Classification: Uncertain significance for Inborn genetic diseases. Last evaluated: 2025-03-27. Review status: criteria provided, single submitter. Criteria: Ambry Variant Classification Scheme 2023. Collection method: clinical testing. Allele origin: germline.

Labcorp Genetics (formerly Invitae), Labcorp
Classification: Uncertain significance for Seizures, benign familial infantile, 3; Developmental and epileptic encephalopathy, 11. Last evaluated: 2022-10-18. Review status: criteria provided, single submitter. Criteria: Invitae Variant Classification Sherloc (09022015). Collection method: clinical testing. Allele origin: germline.
Comment: In summary, the available evidence is currently insufficient to determine the role of this variant in disease. Therefore, it has been classified as a Variant of Uncertain Significance. Advanced modeling of protein sequence and biophysical properties (such as structural, functional, and spatial information, amino acid conservation, physicochemical variation, residue mobility, and thermodynamic stability) performed at Invitae indicates that this missense variant is expected to disrupt SCN2A protein function. ClinVar contains an entry for this variant (Variation ID: 207092). This missense change has been observed in individual(s) with Lennox-Gastaut syndrome (Invitae). The frequency data for this variant in the population databases is considered unreliable, as metrics indicate poor data quality at this position in the gnomAD database. This sequence change replaces arginine, which is basic and polar, with cysteine, which is neutral and slightly polar, at codon 621 of the SCN2A protein (p.Arg621Cys).

Fulgent Genetics
Classification: Uncertain significance for Seizures, benign familial infantile, 3; Developmental and epileptic encephalopathy, 11. Last evaluated: 2018-10-31. Review status: criteria provided, single submitter. Criteria: ACMG Guidelines, 2015. Collection method: clinical testing. Allele origin: unknown.

GeneDx
Classification: Uncertain significance. Last evaluated: 2013-08-23. Review status: criteria provided, single submitter. Criteria: GeneDx Variant Classification (06012015). Collection method: clinical testing. Allele origin: germline. Affected: yes.
Comment: The R621C variant has not been published as a mutation, nor has it been reported as a benign polymorphism to our knowledge. It was not observed in approximately 6,500 individuals of European and African American ancestry in the NHLBI Exome Sequencing Project, indicating it is not a common benign variant in these populations. The R621C variant is a non-conservative amino acid substitution, which is likely to impact secondary protein structure as these residues differ in polarity, charge, size and/or other properties. This substitution alters a highly conserved position in the cytoplasmic loop between the first and second homologous domains of the SCN2A protein (Shi et al., 2012), and in silico analysis predicts this variant is probably damaging to the protein structure/function. The variant is found in SCN2A panel(s).

NM_001040142.2(SCN2A):c.1861C>T (p.Arg621Cys)

Gene: SCN2A (sodium voltage-gated channel alpha subunit 2; plus strand). Cytogenetic location: 2q24.3.
Variant type: single nucleotide variant.
Coding change: c.1861C>T on transcript NM_001040142.2 (MANE Select); coding-DNA position 1861, C replaced by T.
Protein change: p.Arg621Cys; replaces arginine 621 with cysteine.
Molecular consequence: missense variant.
Genome position (GRCh38, 1-based): chr2:165,323,345, C>T. VCF-style: chr2-165323345-C-T. GRCh37 (hg19) VCF-style: chr2-166179855-C-T.
Other names: p.R621C:CGC>TGC; c.1861C>T, p.Arg621Cys (NM_001040143.2, NM_001371246.1, NM_001371247.1 and 1 more transcripts); short protein forms R621C.
Identifiers: ClinVar variation 207092 (VCV000207092.13), dbSNP rs796053205, ClinGen allele CA318220.